The following is an entry in ClinVar:

ClinVar aggregate classification (germline): Uncertain significance (1 of 4 stars; one submission).

gnomAD v4.1: 2 of 1,613,890 alleles (0.00012%); highest among the groups gnomAD compares: African/African-American, 0.0027%; no homozygotes.

Submission:

Labcorp Genetics (formerly Invitae), Labcorp
Classification: Uncertain significance. Last evaluated: 2025-02-12. Review status: criteria provided, single submitter. Criteria: Invitae Variant Classification Sherloc (09022015). Collection method: clinical testing. Allele origin: germline.
Comment: This sequence change affects codon 481 of the CLCN6 mRNA. It is a 'silent' change, meaning that it does not change the encoded amino acid sequence of the CLCN6 protein. This variant is present in population databases (no rsID available, gnomAD 0.02%). This variant has not been reported in the literature in individuals affected with CLCN6-related conditions. Algorithms developed to predict the effect of sequence changes on RNA splicing suggest that this variant may disrupt the consensus splice site. In summary, the available evidence is currently insufficient to determine the role of this variant in disease. Therefore, it has been classified as a Variant of Uncertain Significance.

NM_001286.5(CLCN6):c.1443C>T (p.Gly481=)

Gene: CLCN6 (Cl-/H+ antiporter 6; plus strand). Cytogenetic location: 1p36.22.
Variant type: single nucleotide variant.
Coding change: c.1443C>T on transcript NM_001286.5 (MANE Select); coding-DNA position 1443, C replaced by T.
Protein change: p.Gly481=; no amino-acid change (glycine 481 retained).
Molecular consequence: synonymous variant. On other transcripts: non-coding transcript variant (1).
Genome position (GRCh38, 1-based): chr1:11,833,947, C>T. VCF-style: chr1-11833947-C-T. GRCh37 (hg19) VCF-style: chr1-11894004-C-T.
Other names: c.1377C>T, p.Gly459= (NM_001256959.2).
Identifiers: ClinVar variation 4804726 (VCV004804726.1).
Genomic context (GRCh38, chr1:11,833,947, plus strand): 5'-CCCCGTCACTCTGGCCTTGTTCTTCGTTCTCTATTTCTTGCTTGCATGTTGGACTTACGG[C>T]ATTTCTGTTCCAAGTGGCCTTTTTGTGCCTTCTCTGCTGTGTGGAGCTGCTTTTGGACGT-3'
Protein context (NP_001277.2, residues 471-491): LYFLLACWTY[Gly481=]ISVPSGLFVP